The following is an entry in ClinVar:

ClinVar aggregate classification (germline): Conflicting classifications of pathogenicity. Review status: criteria provided, conflicting classifications (1 of 4 stars). 4 submissions from 4 submitters: Uncertain significance (3); Likely benign (1). Last evaluated 2025-11-10.

Conditions:
Hereditary cancer-predisposing syndrome. Also called: Tumor predisposition; Neoplastic Syndromes, Hereditary; Hereditary neoplastic syndrome; Hereditary Cancer Syndrome. Identifiers: Orphanet 140162, MedGen C0027672, MeSH D009386, MONDO:0015356.
Ataxia-telangiectasia syndrome (AT). Also called: Ataxia-telangiectasia, complementation group D; AT, COMPLEMENTATION GROUP C; ATAXIA-TELANGIECTASIA, COMPLEMENTATION GROUP A; ATAXIA-TELANGIECTASIA, FRESNO VARIANT; Ataxia-telangiectasia; Ataxia telangiectasia (A-T). Identifiers: Orphanet 100, MedGen C0004135, MONDO:0008840, OMIM 208900.

Allele frequency attached by ClinVar (database versions not stated): gnomAD exomes below 0.00001; ExAC 0.00001.
gnomAD v4.1: 5 of 1,613,476 alleles (0.00031%); highest among the groups gnomAD compares: Non-Finnish European, 0.00034%; no homozygotes.

Submissions (4):

Labcorp Genetics (formerly Invitae), Labcorp
Classification: Uncertain significance for Ataxia-telangiectasia syndrome. Last evaluated: 2025-11-10. Review status: criteria provided, single submitter. Criteria: Invitae Variant Classification Sherloc (09022015). Collection method: clinical testing. Allele origin: germline.
Comment: This sequence change replaces isoleucine, which is neutral and non-polar, with valine, which is neutral and non-polar, at codon 1927 of the ATM protein (p.Ile1927Val). This variant is present in population databases (rs753218533, gnomAD 0.0009%). This variant has not been reported in the literature in individuals affected with ATM-related conditions. ClinVar contains an entry for this variant (Variation ID: 999207). Invitae Evidence Modeling of protein sequence and biophysical properties (such as structural, functional, and spatial information, amino acid conservation, physicochemical variation, residue mobility, and thermodynamic stability) indicates that this missense variant is not expected to disrupt ATM protein function with a negative predictive value of 95%. In summary, the available evidence is currently insufficient to determine the role of this variant in disease. Therefore, it has been classified as a Variant of Uncertain Significance.

Color Diagnostics, LLC DBA Color Health
Classification: Uncertain significance for Hereditary cancer-predisposing syndrome. Last evaluated: 2025-01-06. Review status: criteria provided, single submitter. Criteria: ACMG Guidelines, 2015. Collection method: clinical testing. Allele origin: germline.
Comment: This missense variant replaces isoleucine with valine at codon 1927 of the ATM protein. Computational prediction suggests that this variant may not impact protein structure and function (internally defined REVEL score threshold <= 0.5, PMID: 27666373). To our knowledge, functional studies have not been reported for this variant. This variant has not been reported in individuals affected with ATM-related disorders in the literature. This variant has been identified in 1/250858 chromosomes in the general population by the Genome Aggregation Database (gnomAD). The available evidence is insufficient to determine the role of this variant in disease conclusively. Therefore, this variant is classified as a Variant of Uncertain Significance.

GeneDx
Classification: Uncertain significance. Last evaluated: 2024-06-24. Review status: criteria provided, single submitter. Criteria: GeneDx Variant Classification Process June 2021. Collection method: clinical testing. Allele origin: germline. Affected: yes.
Comment: Not observed at significant frequency in large population cohorts (gnomAD); In silico analysis indicates that this missense variant does not alter protein structure/function; Has not been previously published as pathogenic or benign to our knowledge

Ambry Genetics
Classification: Likely benign for Hereditary cancer-predisposing syndrome. Last evaluated: 2022-09-16. Review status: criteria provided, single submitter. Criteria: Ambry Variant Classification Scheme 2023. Collection method: clinical testing. Allele origin: germline.

NM_000051.4(ATM):c.5779A>G (p.Ile1927Val)

Genes: ATM (ATM serine/threonine kinase; plus strand), C11orf65 (chromosome 11 open reading frame 65; minus strand). Cytogenetic location: 11q22.3.
Variant type: single nucleotide variant.
Coding change: c.5779A>G on transcript NM_000051.4 (MANE Select); coding-DNA position 5779, A replaced by G.
Protein change: p.Ile1927Val; replaces isoleucine 1927 with valine.
Molecular consequence: missense variant. On other transcripts: intron variant (2).
Genome position (GRCh38, 1-based): chr11:108,310,176, A>G. VCF-style: chr11-108310176-A-G. GRCh37 (hg19) VCF-style: chr11-108180903-A-G.
Other names: c.5779A>G, p.Ile1927Val (NM_001351834.2); c.641-1105T>C (NM_001330368.2); c.*39-1105T>C (NM_001351110.2); short protein forms I1927V.
Identifiers: ClinVar variation 999207 (VCV000999207.11), dbSNP rs753218533, ClinGen allele CA6265786.